The following is an entry in ClinVar:

NM_000533.5(PLP1):c.716T>C (p.Leu239Pro)

Genes: PLP1 (proteolipid protein 1; plus strand), RAB9B (RAB9B, member RAS oncogene family; minus strand). Cytogenetic location: Xq22.2.
Variant type: single nucleotide variant.
Coding change: c.716T>C on transcript NM_000533.5 (MANE Select); coding-DNA position 716, T replaced by C.
Protein change: p.Leu239Pro; replaces leucine 239 with proline.
Molecular consequence: missense variant.
Genome position (GRCh38, 1-based): chrX:103,789,352, T>C. VCF-style: chrX-103789352-T-C. GRCh37 (hg19) VCF-style: chrX-103044281-T-C.
Other names: c.716T>C, p.Leu239Pro (NM_001128834.3); c.551T>C, p.Leu184Pro (NM_001305004.1); c.611T>C, p.Leu204Pro (NM_199478.3); short protein forms L184P, L204P, L239P.
Identifiers: ClinVar variation 3905632 (VCV003905632.10).

ClinVar aggregate classification (germline): Likely pathogenic (1 of 4 stars; one submission).

Submission:

CeGaT Center for Human Genetics Tuebingen
Classification: Likely pathogenic. Last evaluated: 2025-06-01. Review status: criteria provided, single submitter. Criteria: CeGaT Center For Human Genetics Tuebingen Variant Classification Criteria Version 2. Collection method: clinical testing. Allele origin: germline. Affected: yes. Observed: 1 variant allele.
Comment: PLP1: PM1, PM2, PM5, PP3